The following is an entry in ClinVar:

NM_022114.4(PRDM16):c.3595C>T (p.Arg1199Cys)

Gene: PRDM16 (PR/SET domain 16; plus strand). Cytogenetic location: 1p36.32.
Variant type: single nucleotide variant.
Coding change: c.3595C>T on transcript NM_022114.4 (MANE Select); coding-DNA position 3595, C replaced by T.
Protein change: p.Arg1199Cys; replaces arginine 1199 with cysteine.
Molecular consequence: missense variant.
Genome position (GRCh38, 1-based): chr1:3,432,039, C>T. VCF-style: chr1-3432039-C-T. GRCh37 (hg19) VCF-style: chr1-3348603-C-T.
Other names: c.3595C>T, p.Arg1199Cys (NM_199454.3); short protein forms R1199C.
Identifiers: ClinVar variation 474434 (VCV000474434.10), dbSNP rs376762015, ClinGen allele CA544919.

ClinVar aggregate classification (germline): Uncertain significance. Review status: criteria provided, multiple submitters, no conflicts (2 of 4 stars). 2 submissions from 2 submitters: Uncertain significance (2). Last evaluated 2023-02-21.

Conditions:
Left ventricular noncompaction 8 (LVNC8). Identifiers: Orphanet 154, Orphanet 54260, MedGen C3809288, MONDO:0014152, OMIM 615373.

Allele frequency attached by ClinVar (database versions not stated): gnomAD 0.00002 and 0.00003; TOPMed 0.00002; gnomAD exomes 0.00003 and 0.00004; ExAC 0.00006; ESP Exome Variant Server 0.00008.
gnomAD v4.1: 58 of 1,614,074 alleles (0.0036%); highest among the groups gnomAD compares: Middle Eastern, 0.099%; 1 homozygote.

Submissions (2):

Labcorp Genetics (formerly Invitae), Labcorp
Classification: Uncertain significance for Left ventricular noncompaction 8. Last evaluated: 2023-02-21. Review status: criteria provided, single submitter. Criteria: Invitae Variant Classification Sherloc (09022015). Collection method: clinical testing. Allele origin: germline.
Comment: In summary, the available evidence is currently insufficient to determine the role of this variant in disease. Therefore, it has been classified as a Variant of Uncertain Significance. An algorithm developed to predict the effect of missense changes on protein structure and function (PolyPhen-2) suggests that this variant is likely to be disruptive. ClinVar contains an entry for this variant (Variation ID: 474434). This variant has not been reported in the literature in individuals affected with PRDM16-related conditions. The frequency data for this variant in the population databases is considered unreliable, as metrics indicate poor data quality at this position in the gnomAD database. This sequence change replaces arginine, which is basic and polar, with cysteine, which is neutral and slightly polar, at codon 1199 of the PRDM16 protein (p.Arg1199Cys).

Fulgent Genetics
Classification: Uncertain significance for Left ventricular noncompaction 8. Last evaluated: 2021-11-03. Review status: criteria provided, single submitter. Criteria: ACMG Guidelines, 2015. Collection method: clinical testing. Allele origin: unknown.